The following is an entry in ClinVar:

NM_032447.5(FBN3):c.2321C>T (p.Pro774Leu)

Gene: FBN3 (fibrillin 3; minus strand). Cytogenetic location: 19p13.2.
Variant type: single nucleotide variant.
Coding change: c.2321C>T on transcript NM_032447.5 (MANE Select); coding-DNA position 2321, C replaced by T.
Protein change: p.Pro774Leu; replaces proline 774 with leucine.
Molecular consequence: missense variant.
Genome position (GRCh38, 1-based): chr19:8,126,808, G>A on the plus strand (C>T on the coding strand, the complement: FBN3 is on the minus strand). VCF-style: chr19-8126808-G-A. GRCh37 (hg19) VCF-style: chr19-8191692-G-A.
Other names: c.2321C>T, p.Pro774Leu (NM_001321431.2); short protein forms P774L.
Identifiers: ClinVar variation 2986105 (VCV002986105.3), dbSNP rs917427387, ClinGen allele CA304943399.
Genomic context (GRCh38, chr19:8,126,808, plus strand): 5'-CCAGGGCCACATTTGCAGGTGTAGGAGCCGGCCAGGTTCCGACAGACGCCACTCACACAC[G>A]GGCTGGACAGGCATTCGTCGACATCTGTGGGGACAGCCCCCCACCAGGTCCTGAGCTGCA-3'
Protein context (NP_115823.3, residues 764-784): CKDVDECLSS[Pro774Leu]CVSGVCRNLA

ClinVar aggregate classification (germline): Uncertain significance (1 of 4 stars; one submission).

Allele frequency attached by ClinVar (database versions not stated): TOPMed 0.00001; gnomAD 0.00003.
gnomAD v4.1: 18 of 1,575,836 alleles (0.0011%); highest among the groups gnomAD compares: Admixed American, 0.0079%; no homozygotes.

Submission:

Labcorp Genetics (formerly Invitae), Labcorp
Classification: Uncertain significance. Last evaluated: 2025-08-11. Review status: criteria provided, single submitter. Criteria: Invitae Variant Classification Sherloc (09022015). Collection method: clinical testing. Allele origin: germline.
Comment: This sequence change replaces proline, which is neutral and non-polar, with leucine, which is neutral and non-polar, at codon 774 of the FBN3 protein (p.Pro774Leu). The frequency data for this variant in the population databases is considered unreliable, as metrics indicate poor data quality at this position in the gnomAD database. This variant has not been reported in the literature in individuals affected with FBN3-related conditions. ClinVar contains an entry for this variant (Variation ID: 2986105). Invitae Evidence Modeling of protein sequence and biophysical properties (such as structural, functional, and spatial information, amino acid conservation, physicochemical variation, residue mobility, and thermodynamic stability) indicates that this missense variant is expected to disrupt FBN3 protein function with a positive predictive value of 80%. In summary, the available evidence is currently insufficient to determine the role of this variant in disease. Therefore, it has been classified as a Variant of Uncertain Significance.